The following is an entry in ClinVar:

NM_017686.4(GDAP2):c.227A>G (p.Asn76Ser)

Gene: GDAP2 (ganglioside induced differentiation associated protein 2; minus strand). Cytogenetic location: 1p12.
Variant type: single nucleotide variant.
Coding change: c.227A>G on transcript NM_017686.4 (MANE Select); coding-DNA position 227, A replaced by G.
Protein change: p.Asn76Ser; replaces asparagine 76 with serine.
Molecular consequence: missense variant.
Genome position (GRCh38, 1-based): chr1:117,918,686, T>C on the plus strand (A>G on the coding strand, the complement: GDAP2 is on the minus strand). VCF-style: chr1-117918686-T-C. GRCh37 (hg19) VCF-style: chr1-118461308-T-C.
Other names: c.227A>G, p.Asn76Ser (NM_001135589.3); short protein forms N76S.
Identifiers: ClinVar variation 5039236 (VCV005039236.1).

ClinVar aggregate classification (germline): Uncertain significance (1 of 4 stars; one submission).

gnomAD v4.1: 1 of 1,599,628 alleles (0.000063%); highest among the groups gnomAD compares: Non-Finnish European, 0.000086%; no homozygotes.

Submission:

CeGaT Center for Human Genetics Tuebingen
Classification: Uncertain significance. Last evaluated: 2026-07-01. Review status: criteria provided, single submitter. Criteria: CeGaT Center For Human Genetics Tuebingen Variant Classification Criteria Version 2. Collection method: clinical testing. Allele origin: germline. Affected: yes. Observed: 1 variant allele.
Comment: GDAP2: PM2